The following is an entry in ClinVar:

NM_170606.3(KMT2C):c.1436A>C (p.Gln479Pro)

Gene: KMT2C (lysine methyltransferase 2C; minus strand). Cytogenetic location: 7q36.1.
Variant type: single nucleotide variant.
Coding change: c.1436A>C on transcript NM_170606.3 (MANE Select); coding-DNA position 1436, A replaced by C.
Protein change: p.Gln479Pro; replaces glutamine 479 with proline.
Molecular consequence: missense variant.
Genome position (GRCh38, 1-based): chr7:152,252,579, T>G on the plus strand (A>C on the coding strand, the complement: KMT2C is on the minus strand). VCF-style: chr7-152252579-T-G. GRCh37 (hg19) VCF-style: chr7-151949664-T-G.
Other names: short protein forms Q479P.
Identifiers: ClinVar variation 1701542 (VCV001701542.31), dbSNP rs2129166833, ClinGen allele CA370087287.

ClinVar aggregate classification (germline): Uncertain significance (1 of 4 stars; one submission).

Submission:

CeGaT Center for Human Genetics Tuebingen
Classification: Uncertain significance. Last evaluated: 2022-07-01. Review status: criteria provided, single submitter. Criteria: CeGaT Center For Human Genetics Tuebingen Variant Classification Criteria Version 2. Collection method: clinical testing. Allele origin: germline. Affected: yes. Observed: 1 variant allele.
Comment: KMT2C: PM1, PM2